The following is an entry in ClinVar:

ClinVar aggregate classification (germline): Likely benign (1 of 4 stars; one submission).

Submission:

CeGaT Center for Human Genetics Tuebingen
Classification: Likely benign. Last evaluated: 2024-10-01. Review status: criteria provided, single submitter. Criteria: CeGaT Center For Human Genetics Tuebingen Variant Classification Criteria Version 2. Collection method: clinical testing. Allele origin: germline. Affected: yes. Observed: 1 variant allele.
Comment: BEND4: BS2

NM_207406.4(BEND4):c.166CCGCCGCCC[3] (p.Pro61_Phe62insProProPro)

Gene: BEND4 (BEN domain containing 4; minus strand). Cytogenetic location: 4p13.
Variant type: Microsatellite.
Coding change: c.166CCGCCGCCC[3] on transcript NM_207406.4 (MANE Select); three copies in a row of the 9-base unit CCGCCGCCC starting at c.166; the reference has two copies in a row; one copy, 9 bases duplicated.
Protein change: p.Pro61_Phe62insProProPro.
Molecular consequence: inframe insertion.
Genome position (GRCh38, 1-based): chr4:42,151,961-42,151,969, GGGCGGCGG duplicated on the plus strand (CCGCCGCCC on the coding strand, the reverse complement: BEND4 is on the minus strand); duplicating any 9 consecutive bases within chr4:42,151,961-42,151,983 gives the same sequence; the position shown is the placement nearest the transcript's 3' end. VCF-style (leftmost placement, unchanged base first): chr4-42151960-A-AGGGCGGCGG. GRCh37 (hg19) VCF-style: chr4-42153977-A-AGGGCGGCGG.
Other names: c.166CCGCCGCCC[3], p.Pro61_Phe62insProProPro (NM_001159547.2).
Identifiers: ClinVar variation 3388508 (VCV003388508.14).
Genomic context (GRCh38, chr4:42,151,960, plus strand): 5'-CCTGGAACTGCTGCGGCGGCGGCTCGCTGCTGCTGATGGAGACGGCGGCGTGCGGCGCGA[A>AGGGCGGCGG]GGGCGGCGGGGGCGGCGGGGGCGCCCGCACGTGCGGCAGCTCCACCAGGGTGGGTCGCTC-3'